The following is an entry in ClinVar:

ClinVar aggregate classification (germline): Benign/Likely benign. Review status: criteria provided, multiple submitters, no conflicts (2 of 4 stars). 2 submissions from 2 submitters: Benign (1); Likely benign (1). Last evaluated 2024-02-22.

Conditions:
Familial adenomatous polyposis 1 (FAP1). Also called: FAMILIAL ADENOMATOUS POLYPOSIS 1, ATTENUATED; POLYPOSIS, ADENOMATOUS INTESTINAL. Identifiers: MedGen C2713442, MONDO:0021056, OMIM 175100. Disease mechanism: loss of function.

Submissions (2):

Myriad Genetics, Inc.
Classification: Benign for Familial adenomatous polyposis 1. Last evaluated: 2024-02-22. Review status: criteria provided, single submitter. Criteria: Myriad Autosomal Dominant, Autosomal Recessive and X-Linked Classification Criteria (2023). Collection method: clinical testing. Allele origin: unknown.
Comment: This variant is considered benign. This variant is a silent/synonymous amino acid change and it is not expected to impact splicing.

Labcorp Genetics (formerly Invitae), Labcorp
Classification: Likely benign for Familial adenomatous polyposis 1. Last evaluated: 2023-05-08. Review status: criteria provided, single submitter. Criteria: Invitae Variant Classification Sherloc (09022015). Collection method: clinical testing. Allele origin: germline.

NM_000038.6(APC):c.249T>G (p.Pro83=)

Gene: APC (APC regulator of Wnt signaling pathway; plus strand). Cytogenetic location: 5q22.2.
Variant type: single nucleotide variant.
Coding change: c.249T>G on transcript NM_000038.6 (MANE Select); coding-DNA position 249, T replaced by G.
Protein change: p.Pro83=; no amino-acid change (proline 83 retained).
Molecular consequence: synonymous variant. On other transcripts: 5 prime UTR variant (1).
Genome position (GRCh38, 1-based): chr5:112,767,217, T>G. VCF-style: chr5-112767217-T-G. GRCh37 (hg19) VCF-style: chr5-112102914-T-G.
Other names: c.249T>G, p.Pro83= (NM_001127510.3, NM_001354895.2, NM_001354896.2 and 2 more transcripts); c.279T>G, p.Pro93= (NM_001127511.3, NM_001354897.2, NM_001354902.2); c.174T>G, p.Pro58= (NM_001354898.2, NM_001354904.2); c.72T>G, p.Pro24= (NM_001354900.2, NM_001354901.2, NM_001354905.2); c.-787T>G (NM_001354906.2).
Identifiers: ClinVar variation 1571280 (VCV001571280.9), dbSNP rs2149787783, ClinGen allele CA445753112.
Genomic context (GRCh38, chr5:112,767,217, plus strand): 5'-GTTGTATAAAAACTTGTTTCTATTTTATTTAGAGCTTAACTTAGATAGCAGTAATTTCCC[T>G]GGAGTAAAACTGCGGTCAAAAATGTCCCTCCGTTCTTATGGAAGCCGGGAAGGATCTGTA-3'
Protein context (NP_000029.2, residues 73-93): KELNLDSSNF[Pro83=]GVKLRSKMSL